The following is an entry in ClinVar:

NM_001873.4(CPE):c.825C>T (p.Asp275=)

Gene: CPE (carboxypeptidase E; plus strand). Cytogenetic location: 4q32.3.
Variant type: single nucleotide variant.
Coding change: c.825C>T on transcript NM_001873.4 (MANE Select); coding-DNA position 825, C replaced by T.
Protein change: p.Asp275=; no amino-acid change (aspartic acid 275 retained).
Molecular consequence: synonymous variant.
Genome position (GRCh38, 1-based): chr4:165,484,456, C>T. VCF-style: chr4-165484456-C-T. GRCh37 (hg19) VCF-style: chr4-166405608-C-T.
Other names: c.825C>T (NM_001873.3).
Identifiers: ClinVar variation 2714897 (VCV002714897.6), dbSNP rs184912639, ClinGen allele CA3130295.

ClinVar aggregate classification (germline): Likely benign. Review status: criteria provided, multiple submitters, no conflicts (2 of 4 stars). 3 submissions from 3 submitters: Likely benign (2). 1 of the submissions does not count toward it. Last evaluated 2023-05-20.

Conditions:
CPE-related disorder. Also called: CPE-related condition.

Allele frequency attached by ClinVar (database versions not stated): TOPMed 0.00002; gnomAD exomes 0.00003; gnomAD 0.00005; ExAC 0.00007; 1000 Genomes Project 0.00060; 1000 Genomes Project 30x 0.00062.
gnomAD v4.1: 45 of 1,614,036 alleles (0.0028%); highest among the groups gnomAD compares: Admixed American, 0.027%; no homozygotes.

Submissions (3):

Labcorp Genetics (formerly Invitae), Labcorp
Classification: Likely benign. Last evaluated: 2023-05-20. Review status: criteria provided, single submitter. Criteria: Invitae Variant Classification Sherloc (09022015). Collection method: clinical testing. Allele origin: germline.

Blueprint Genetics
Classification: Likely benign. Last evaluated: 2021-07-20. Review status: criteria provided, single submitter. Criteria: ACMG Guidelines, 2015. Collection method: clinical testing. Allele origin: germline.

PreventionGenetics, part of Exact Sciences
Classification: Likely benign for CPE-related condition. Last evaluated: 2021-06-03. Review status: no assertion criteria provided. Collection method: clinical testing. Allele origin: germline. Not counted in ClinVar's aggregate classification.
Comment: This variant is classified as likely benign based on ACMG/AMP sequence variant interpretation guidelines (Richards et al. 2015 PMID: 25741868, with internal and published modifications).